The following is an entry in ClinVar:

ClinVar aggregate classification (germline): Uncertain significance. Review status: criteria provided, multiple submitters, no conflicts (2 of 4 stars). 2 submissions from 2 submitters: Uncertain significance (2). Last evaluated 2025-05-01.

Conditions:
Hereditary cancer-predisposing syndrome. Also called: Hereditary Cancer Syndrome; Neoplastic Syndromes, Hereditary; Tumor predisposition; Hereditary neoplastic syndrome. Identifiers: Orphanet 140162, MedGen C0027672, MeSH D009386, MONDO:0015356.
Oligodontia-cancer predisposition syndrome. Also called: TOOTH AGENESIS-COLORECTAL CANCER SYNDROME. Identifiers: Orphanet 300576, MedGen C1837750, MONDO:0012075, OMIM 608615. Disease mechanism: loss of function.

gnomAD v4.1: 3 of 1,546,632 alleles (0.00019%); highest among the groups gnomAD compares: African/African-American, 0.0027%; no homozygotes.

Submissions (2):

Labcorp Genetics (formerly Invitae), Labcorp
Classification: Uncertain significance for Oligodontia-cancer predisposition syndrome. Last evaluated: 2025-05-01. Review status: criteria provided, single submitter. Criteria: Invitae Variant Classification Sherloc (09022015). Collection method: clinical testing. Allele origin: germline.
Comment: This sequence change falls in intron 5 of the AXIN2 gene. It does not directly change the encoded amino acid sequence of the AXIN2 protein. It affects a nucleotide within the consensus splice site. This variant is not present in population databases (gnomAD no frequency). This variant has not been reported in the literature in individuals affected with AXIN2-related conditions. ClinVar contains an entry for this variant (Variation ID: 1747572). Variants that disrupt the consensus splice site are a relatively common cause of aberrant splicing (PMID: 17576681, 9536098). RNA analysis performed to evaluate the impact of this variant on mRNA splicing indicates it does not significantly alter splicing (internal data). In summary, the available evidence is currently insufficient to determine the role of this variant in disease. Therefore, it has been classified as a Variant of Uncertain Significance.

Ambry Genetics
Classification: Uncertain significance for Hereditary cancer-predisposing syndrome. Last evaluated: 2022-10-05. Review status: criteria provided, single submitter. Criteria: Ambry Variant Classification Scheme 2023. Collection method: clinical testing. Allele origin: germline.
Comment: The c.1201-3C>G intronic variant results from a C to G substitution 3 nucleotides upstream from coding exon 5 in the AXIN2 gene. This nucleotide position is well conserved in available vertebrate species. In silico splice site analysis for this alteration is inconclusive; however, direct evidence is insufficient at this time (Ambry internal data). Since supporting evidence is limited at this time, the clinical significance of this alteration remains unclear.

Literature cited by the submitters: PubMed 17576681 (cited by Labcorp Genetics (formerly Invitae), Labcorp); PubMed 9536098 (cited by Labcorp Genetics (formerly Invitae), Labcorp).

NM_004655.4(AXIN2):c.1201-3C>G

Gene: AXIN2 (axin 2; minus strand). Cytogenetic location: 17q24.1.
Variant type: single nucleotide variant.
Coding change: c.1201-3C>G on transcript NM_004655.4 (MANE Select); 3 bases into the intron before coding-DNA position 1201, C replaced by G.
Molecular consequence: intron variant.
Genome position (GRCh38, 1-based): chr17:65,537,838, G>C on the plus strand (C>G on the coding strand, the complement: AXIN2 is on the minus strand). VCF-style: chr17-65537838-G-C. GRCh37 (hg19) VCF-style: chr17-63533956-G-C.
Other names: c.1201-3C>G (NM_001363813.1).
Identifiers: ClinVar variation 1747572 (VCV001747572.7), dbSNP rs1358032988, ClinGen allele CA774133408.